The following is an entry in ClinVar:

ClinVar aggregate classification (germline): Likely benign (1 of 4 stars; one submission).

Allele frequency attached by ClinVar (database versions not stated): gnomAD 0.00002; TOPMed 0.00005; gnomAD exomes 0.00006; ExAC 0.00012.
gnomAD v4.1: 90 of 1,613,774 alleles (0.0056%); highest among the groups gnomAD compares: South Asian, 0.049%; 2 homozygotes.

Submission:

CeGaT Center for Human Genetics Tuebingen
Classification: Likely benign. Last evaluated: 2024-08-01. Review status: criteria provided, single submitter. Criteria: CeGaT Center For Human Genetics Tuebingen Variant Classification Criteria Version 2. Collection method: clinical testing. Allele origin: germline. Affected: yes. Observed: 2 variant alleles.
Comment: AHNAK: BP4, BS2

NM_001620.3(AHNAK):c.9836C>A (p.Pro3279Gln)

Gene: AHNAK (AHNAK nucleoprotein; minus strand). Cytogenetic location: 11q12.3.
Variant type: single nucleotide variant.
Coding change: c.9836C>A on transcript NM_001620.3 (MANE Select); coding-DNA position 9836, C replaced by A.
Protein change: p.Pro3279Gln; replaces proline 3279 with glutamine.
Molecular consequence: missense variant. On other transcripts: intron variant (1).
Genome position (GRCh38, 1-based): chr11:62,524,581, G>T on the plus strand (C>A on the coding strand, the complement: AHNAK is on the minus strand). VCF-style: chr11-62524581-G-T. GRCh37 (hg19) VCF-style: chr11-62292053-G-T.
Other names: c.9836C>A, p.Pro3279Gln (NM_001346445.2, NM_001346446.2); c.342+10422C>A (NM_024060.4); short protein forms P3279Q.
Identifiers: ClinVar variation 2641871 (VCV002641871.24), dbSNP rs746983608, ClinGen allele CA6045070.